The following is an entry in ClinVar:

NM_000170.3(GLDC):c.164G>A (p.Arg55His)

Gene: GLDC (glycine decarboxylase; minus strand). Cytogenetic location: 9p24.1.
Variant type: single nucleotide variant.
Coding change: c.164G>A on transcript NM_000170.3 (MANE Select); coding-DNA position 164, G replaced by A.
Protein change: p.Arg55His; replaces arginine 55 with histidine.
Molecular consequence: missense variant.
Genome position (GRCh38, 1-based): chr9:6,645,336, C>T on the plus strand (G>A on the coding strand, the complement: GLDC is on the minus strand). VCF-style: chr9-6645336-C-T. GRCh37 (hg19) VCF-style: chr9-6645336-C-T.
Other names: short protein forms R55H.
Identifiers: ClinVar variation 1444846 (VCV001444846.8), dbSNP rs1195896229, ClinGen allele CA372886757.

ClinVar aggregate classification (germline): Uncertain significance (1 of 4 stars; one submission).

Conditions:
Glycine encephalopathy. Also called: Non-ketotic hyperglycinemia; Nonketotic hyperglycinemia. Identifiers: Orphanet 407, MedGen C0751748, MONDO:0011612, HP:0008288.

Allele frequency attached by ClinVar (database versions not stated): gnomAD exomes below 0.00001.

Submission:

Labcorp Genetics (formerly Invitae), Labcorp
Classification: Uncertain significance for Glycine encephalopathy. Last evaluated: 2022-10-05. Review status: criteria provided, single submitter. Criteria: Invitae Variant Classification Sherloc (09022015). Collection method: clinical testing. Allele origin: germline.
Comment: ClinVar contains an entry for this variant (Variation ID: 1444846). This variant has not been reported in the literature in individuals affected with GLDC-related conditions. This variant is not present in population databases (gnomAD no frequency). This sequence change replaces arginine, which is basic and polar, with histidine, which is basic and polar, at codon 55 of the GLDC protein (p.Arg55His). In summary, the available evidence is currently insufficient to determine the role of this variant in disease. Therefore, it has been classified as a Variant of Uncertain Significance. Advanced modeling of protein sequence and biophysical properties (such as structural, functional, and spatial information, amino acid conservation, physicochemical variation, residue mobility, and thermodynamic stability) performed at Invitae indicates that this missense variant is expected to disrupt GLDC protein function.